The following is an entry in ClinVar:

ClinVar aggregate classification (germline): Uncertain significance. Review status: criteria provided, multiple submitters, no conflicts (2 of 4 stars). 2 submissions from 2 submitters: Uncertain significance (2). Last evaluated 2026-01-26.

Conditions:
Inborn genetic diseases. Identifiers: MedGen C0950123, MeSH D030342.

Submissions (2):

Labcorp Genetics (formerly Invitae), Labcorp
Classification: Uncertain significance. Last evaluated: 2026-01-26. Review status: criteria provided, single submitter. Criteria: Invitae Variant Classification Sherloc (09022015). Collection method: clinical testing. Allele origin: germline.
Comment: This sequence change replaces glutamic acid, which is acidic and polar, with aspartic acid, which is acidic and polar, at codon 218 of the MBD4 protein (p.Glu218Asp). This variant is not present in population databases (gnomAD no frequency). This variant has not been reported in the literature in individuals affected with MBD4-related conditions. ClinVar contains an entry for this variant (Variation ID: 3870923). An algorithm developed to predict the effect of missense changes on protein structure and function outputs the following: PolyPhen-2: "Benign". The aspartic acid amino acid residue is found in multiple mammalian species, which suggests that this missense change does not adversely affect protein function. In summary, the available evidence is currently insufficient to determine the role of this variant in disease. Therefore, it has been classified as a Variant of Uncertain Significance.

Ambry Genetics
Classification: Uncertain significance for Inborn genetic diseases. Last evaluated: 2025-02-03. Review status: criteria provided, single submitter. Criteria: Ambry Variant Classification Scheme 2023. Collection method: clinical testing. Allele origin: germline.
Comment: The p.E218D variant (also known as c.654G>C), located in coding exon 3 of the MBD4 gene, results from a G to C substitution at nucleotide position 654. The glutamic acid at codon 218 is replaced by aspartic acid, an amino acid with highly similar properties. This amino acid position is conserved. In addition, this alteration is predicted to be tolerated by in silico analysis. Based on the available evidence, the clinical significance of this variant remains unclear.

NM_001276270.2(MBD4):c.654G>C (p.Glu218Asp)

Gene: MBD4 (methyl-CpG binding domain 4, DNA glycosylase; minus strand). Cytogenetic location: 3q21.3.
Variant type: single nucleotide variant.
Coding change: c.654G>C on transcript NM_001276270.2 (MANE Select); coding-DNA position 654, G replaced by C.
Protein change: p.Glu218Asp; replaces glutamic acid 218 with aspartic acid.
Molecular consequence: missense variant. On other transcripts: intron variant (1).
Genome position (GRCh38, 1-based): chr3:129,436,990, C>G on the plus strand (G>C on the coding strand, the complement: MBD4 is on the minus strand). VCF-style: chr3-129436990-C-G. GRCh37 (hg19) VCF-style: chr3-129155833-C-G.
Other names: c.654G>C, p.Glu218Asp (NM_001276271.2, NM_001276272.2, NM_003925.3); c.247+818G>C (NM_001276273.2); short protein forms E218D.
Identifiers: ClinVar variation 3870923 (VCV003870923.2).
Genomic context (GRCh38, chr3:129,436,990, plus strand): 5'-CAAAATAGTCACCTTTCCTTTGGGCTTTCTAACCTTTCTGAAGTTAACATCATCAACACC[C>G]TCATCTTCTTTCAAAAGCAAATGAGTGGAAGTAAAGTTAGAGAGTCCTCTGCTCTCCTGC-3'
Protein context (NP_001263199.1, residues 208-228): TSTHLLLKED[Glu218Asp]GVDDVNFRKV